The following is an entry in ClinVar:

ClinVar aggregate classification (germline): Benign. Review status: criteria provided, multiple submitters, no conflicts (2 of 4 stars). 2 submissions from 2 submitters: Benign (2). Last evaluated 2018-01-13.

Conditions:
Nail-patella syndrome (NPS). Also called: FONG DISEASE; ONYCHOOSTEODYSPLASIA; TURNER-KIESER SYNDROME. Identifiers: Orphanet 2614, MedGen C0027341, MONDO:0008061, OMIM 161200.

Allele frequency attached by ClinVar (database versions not stated): gnomAD 0.44770 and 0.46037; TOPMed 0.45132; 1000 Genomes Project 30x 0.54076; 1000 Genomes Project 0.55112; gnomAD exomes 0.60959.
gnomAD v4.1: 70,089 of 152,272 alleles (46%); highest among the groups gnomAD compares: East Asian, 86%; 17,066 homozygotes.

Submissions (2):

Illumina Laboratory Services, Illumina
Classification: Benign for Nail-patella syndrome. Last evaluated: 2018-01-13. Review status: criteria provided, single submitter. Criteria: ICSL Variant Classification Criteria 13 December 2019. Collection method: clinical testing. Allele origin: germline.
Comment: This variant was observed in the ICSL laboratory as part of a predisposition screen in an ostensibly healthy population. It had not been previously curated by ICSL or reported in the Human Gene Mutation Database (HGMD: prior to June 1st, 2018), and was therefore a candidate for classification through an automated scoring system. Utilizing variant allele frequency, disease prevalence and penetrance estimates, and inheritance mode, an automated score was calculated to assess if this variant is too frequent to cause the disease. Based on the score and internal cut-off values, a variant classified as benign is not then subjected to further curation. The score for this variant resulted in a classification of benign for this disease.

Breakthrough Genomics
Classification: Benign. Review status: criteria provided, single submitter. Criteria: ACMG Guidelines, 2015. Collection method: not provided. Allele origin: germline. Inheritance: Autosomal dominant inheritance. Affected: yes.

NM_001174147.2(LMX1B):c.*4171T>C

Gene: LMX1B (LIM homeobox transcription factor 1 beta; plus strand). Cytogenetic location: 9q33.3.
Variant type: single nucleotide variant.
Coding change: c.*4171T>C on transcript NM_001174147.2 (MANE Select); 4171 bases downstream of the stop codon, T replaced by C.
Molecular consequence: 3 prime UTR variant.
Genome position (GRCh38, 1-based): chr9:126,700,622, T>C. VCF-style: chr9-126700622-T-C. GRCh37 (hg19) VCF-style: chr9-129462901-T-C.
Other names: c.*4171T>C (NM_001174146.2, NM_002316.4).
Identifiers: ClinVar variation 364992 (VCV000364992.6), dbSNP rs3814119, ClinGen allele CA10632515.
Genomic context (GRCh38, chr9:126,700,622, plus strand): 5'-TCCACGCTCACACGCACGCGCTCGCACACACACACTCACACCTGGACGCACACGGAGGCT[T>C]GCGGACCCATACTCACAGGCACATGTGGCCTGGGGACTGGGGGAGCAGGAAAGACCCCTC-3'